The following is an entry in ClinVar:

NM_004385.5(VCAN):c.3592A>G (p.Thr1198Ala)

Gene: VCAN (versican; plus strand). Cytogenetic location: 5q14.3.
Variant type: single nucleotide variant.
Coding change: c.3592A>G on transcript NM_004385.5 (MANE Select); coding-DNA position 3592, A replaced by G.
Protein change: p.Thr1198Ala; replaces threonine 1198 with alanine.
Molecular consequence: missense variant. On other transcripts: intron variant (2).
Genome position (GRCh38, 1-based): chr5:83,521,898, A>G. VCF-style: chr5-83521898-A-G. GRCh37 (hg19) VCF-style: chr5-82817717-A-G.
Other names: c.3592A>G, p.Thr1198Ala (NM_001164098.2); c.1042+9502A>G (NM_001164097.2, NM_001126336.3); short protein forms T1198A.
Identifiers: ClinVar variation 4716100 (VCV004716100.1).

ClinVar aggregate classification (germline): Uncertain significance (1 of 4 stars; one submission).

gnomAD v4.1: 2 of 1,614,086 alleles (0.00012%); highest among the groups gnomAD compares: Admixed American, 0.0017%; no homozygotes.

Submission:

Labcorp Genetics (formerly Invitae), Labcorp
Classification: Uncertain significance. Last evaluated: 2025-03-29. Review status: criteria provided, single submitter. Criteria: Invitae Variant Classification Sherloc (09022015). Collection method: clinical testing. Allele origin: germline.
Comment: This sequence change replaces threonine, which is neutral and polar, with alanine, which is neutral and non-polar, at codon 1198 of the VCAN protein (p.Thr1198Ala). This variant is not present in population databases (gnomAD no frequency). This variant has not been reported in the literature in individuals affected with VCAN-related conditions. An algorithm developed to predict the effect of missense changes on protein structure and function outputs the following: PolyPhen-2: "Benign". The alanine amino acid residue is found in multiple mammalian species, which suggests that this missense change does not adversely affect protein function. In summary, the available evidence is currently insufficient to determine the role of this variant in disease. Therefore, it has been classified as a Variant of Uncertain Significance.